The following is an entry in ClinVar:

NM_002485.5(NBN):c.1425G>C (p.Met475Ile)

Gene: NBN (nibrin; minus strand). Cytogenetic location: 8q21.3.
Variant type: single nucleotide variant.
Coding change: c.1425G>C on transcript NM_002485.5 (MANE Select); coding-DNA position 1425, G replaced by C.
Protein change: p.Met475Ile; replaces methionine 475 with isoleucine.
Molecular consequence: missense variant.
Genome position (GRCh38, 1-based): chr8:89,953,664, C>G on the plus strand (G>C on the coding strand, the complement: NBN is on the minus strand). VCF-style: chr8-89953664-C-G. GRCh37 (hg19) VCF-style: chr8-90965892-C-G.
Other names: c.1179G>C, p.Met393Ile (NM_001024688.3); short protein forms M475I, M393I.
Identifiers: ClinVar variation 628036 (VCV000628036.18), dbSNP rs1180796619, ClinGen allele CA371655876.

ClinVar aggregate classification (germline): Uncertain significance. Review status: criteria provided, multiple submitters, no conflicts (2 of 4 stars). 4 submissions from 4 submitters: Uncertain significance (4). Last evaluated 2024-10-11.

Conditions:
Microcephaly, normal intelligence and immunodeficiency (NBS). Also called: BERLIN BREAKAGE SYNDROME; Ataxia telangiectasia variant V1; IMMUNODEFICIENCY, MICROCEPHALY, AND CHROMOSOMAL INSTABILITY; SEEMANOVA SYNDROME II; Immunodeficiency, microcephaly with normal intelligence; Nijmegen breakage syndrome. Identifiers: Orphanet 647, MedGen C0398791, MONDO:0009623, OMIM 251260.
Hereditary cancer-predisposing syndrome. Also called: Tumor predisposition; Neoplastic Syndromes, Hereditary; Hereditary Cancer Syndrome; Hereditary neoplastic syndrome. Identifiers: Orphanet 140162, MedGen C0027672, MeSH D009386, MONDO:0015356.

gnomAD v4.1: 1 of 1,611,514 alleles (0.000062%); highest among the groups gnomAD compares: Non-Finnish European, 0.000085%; no homozygotes.

Submissions (4):

Quest Diagnostics Nichols Institute San Juan Capistrano
Classification: Uncertain significance. Last evaluated: 2024-10-11. Review status: criteria provided, single submitter. Criteria: Quest Diagnostics criteria. Collection method: clinical testing. Allele origin: unknown.
Comment: The NBN c.1425G>C (p.Met475Ile) variant has not been reported in individuals with NBN-related conditions in the published literature. It also has not been reported in large, multi-ethnic general populations (Genome Aggregation Database). Analysis of this variant using bioinformatics tools for the prediction of the effect of amino acid changes on protein structure and function yielded predictions that this variant is benign. Based on the available information, we are unable to determine the clinical significance of this variant.

Labcorp Genetics (formerly Invitae), Labcorp
Classification: Uncertain significance for Microcephaly, normal intelligence and immunodeficiency. Last evaluated: 2023-07-31. Review status: criteria provided, single submitter. Criteria: Invitae Variant Classification Sherloc (09022015). Collection method: clinical testing. Allele origin: germline.
Comment: This sequence change replaces methionine, which is neutral and non-polar, with isoleucine, which is neutral and non-polar, at codon 475 of the NBN protein (p.Met475Ile). This variant is not present in population databases (gnomAD no frequency). This variant has not been reported in the literature in individuals affected with NBN-related conditions. ClinVar contains an entry for this variant (Variation ID: 628036). Algorithms developed to predict the effect of missense changes on protein structure and function output the following: SIFT: "Not Available"; PolyPhen-2: "Benign"; Align-GVGD: "Not Available". The isoleucine amino acid residue is found in multiple mammalian species, which suggests that this missense change does not adversely affect protein function. In summary, the available evidence is currently insufficient to determine the role of this variant in disease. Therefore, it has been classified as a Variant of Uncertain Significance.

Ambry Genetics
Classification: Uncertain significance for Hereditary cancer-predisposing syndrome. Last evaluated: 2022-10-30. Review status: criteria provided, single submitter. Criteria: Ambry Variant Classification Scheme 2023. Collection method: clinical testing. Allele origin: germline.
Comment: The p.M475I variant (also known as c.1425G>C), located in coding exon 11 of the NBN gene, results from a G to C substitution at nucleotide position 1425. The methionine at codon 475 is replaced by isoleucine, an amino acid with highly similar properties. This amino acid position is not well conserved in available vertebrate species. In addition, this alteration is predicted to be tolerated by in silico analysis. Since supporting evidence is limited at this time, the clinical significance of this alteration remains unclear.

Genome-Nilou Lab
Classification: Uncertain significance for Microcephaly, normal intelligence and immunodeficiency. Last evaluated: 2021-11-07. Review status: criteria provided, single submitter. Criteria: ACMG Guidelines, 2015. Collection method: clinical testing. Allele origin: germline. Affected: no.